The following is an entry in ClinVar:

NM_020693.4(DSCAML1):c.4227G>T (p.Gly1409=)

Gene: DSCAML1 (DS cell adhesion molecule like 1; minus strand). Cytogenetic location: 11q23.3.
Variant type: single nucleotide variant.
Coding change: c.4227G>T on transcript NM_020693.4 (MANE Select); coding-DNA position 4227, G replaced by T.
Protein change: p.Gly1409=; no amino-acid change (glycine 1409 retained).
Molecular consequence: synonymous variant.
Genome position (GRCh38, 1-based): chr11:117,438,901, C>A on the plus strand (G>T on the coding strand, the complement: DSCAML1 is on the minus strand). VCF-style: chr11-117438901-C-A. GRCh37 (hg19) VCF-style: chr11-117309617-C-A.
Identifiers: ClinVar variation 2051375 (VCV002051375.4), dbSNP rs773004750, ClinGen allele CA476901136.

ClinVar aggregate classification (germline): Uncertain significance (1 of 4 stars; one submission).

gnomAD v4.1: 1 of 1,603,926 alleles (0.000062%); highest among the groups gnomAD compares: Admixed American, 0.0017%; no homozygotes.

Submission:

Labcorp Genetics (formerly Invitae), Labcorp
Classification: Uncertain significance. Last evaluated: 2022-08-22. Review status: criteria provided, single submitter. Criteria: Invitae Variant Classification Sherloc (09022015). Collection method: clinical testing. Allele origin: germline.
Comment: In summary, the available evidence is currently insufficient to determine the role of this variant in disease. Therefore, it has been classified as a Variant of Uncertain Significance. Algorithms developed to predict the effect of sequence changes on RNA splicing suggest that this variant may disrupt the consensus splice site. This variant has not been reported in the literature in individuals affected with DSCAML1-related conditions. The frequency data for this variant in the population databases is considered unreliable, as metrics indicate poor data quality at this position in the gnomAD database. This sequence change affects codon 1469 of the DSCAML1 mRNA. It is a 'silent' change, meaning that it does not change the encoded amino acid sequence of the DSCAML1 protein.